The following is an entry in ClinVar:

NM_017760.7(NCAPG2):c.2257C>T (p.Arg753Cys)

Gene: NCAPG2 (non-SMC condensin II complex subunit G2; minus strand). Cytogenetic location: 7q36.3.
Variant type: single nucleotide variant.
Coding change: c.2257C>T on transcript NM_017760.7 (MANE Select); coding-DNA position 2257, C replaced by T.
Protein change: p.Arg753Cys; replaces arginine 753 with cysteine.
Molecular consequence: missense variant. On other transcripts: non-coding transcript variant (1).
Genome position (GRCh38, 1-based): chr7:158,656,391, G>A on the plus strand (C>T on the coding strand, the complement: NCAPG2 is on the minus strand). VCF-style: chr7-158656391-G-A. GRCh37 (hg19) VCF-style: chr7-158449083-G-A.
Other names: c.2257C>T, p.Arg753Cys (NM_001281932.2, NM_001281933.2); short protein forms R753C.
Identifiers: ClinVar variation 3041456 (VCV003041456.2), dbSNP rs61745702, ClinGen allele CA4592603.

ClinVar aggregate classification (germline): Benign (0 of 4 stars; one submission).

Conditions:
NCAPG2-related disorder. Also called: NCAPG2-related condition.

Allele frequency attached by ClinVar (database versions not stated): ExAC 0.00165; ESP Exome Variant Server 0.00437; gnomAD 0.00452; 1000 Genomes Project 0.00539; TOPMed 0.00544; 1000 Genomes Project 30x 0.00609.
gnomAD v4.1: 1,547 of 1,614,196 alleles (0.096%); highest among the groups gnomAD compares: African/African-American, 1.5%; 9 homozygotes.

Submission:

PreventionGenetics, part of Exact Sciences
Classification: Benign for NCAPG2-related condition. Last evaluated: 2019-05-20. Review status: no assertion criteria provided. Collection method: clinical testing. Allele origin: germline.
Comment: This variant is classified as benign based on ACMG/AMP sequence variant interpretation guidelines (Richards et al. 2015 PMID: 25741868, with internal and published modifications).